The following is an entry in ClinVar:

ClinVar aggregate classification (germline): Benign/Likely benign. Review status: criteria provided, multiple submitters, no conflicts (2 of 4 stars). 6 submissions from 6 submitters: Benign (3); Likely benign (3). Last evaluated 2026-02-01.

Conditions:
Focal segmental glomerulosclerosis 1 (FSGS1). Identifiers: Orphanet 656, MedGen C4551527, MONDO:0011303, OMIM 603278.
Focal segmental glomerulosclerosis (FSGS). Also called: Glomerulosclerosis, focal; Focal sclerosis with hyalinosis. Identifiers: MedGen C0017668, MONDO:0100313, HP:0000097. Disease mechanism: loss of function.

Allele frequency attached by ClinVar (database versions not stated): gnomAD 0.00035 and 0.00129; TOPMed 0.00046; gnomAD exomes 0.00139 and 0.00318; ExAC 0.00358; 1000 Genomes Project 30x 0.00796; 1000 Genomes Project 0.00899.
gnomAD v4.1: 2,303 of 1,613,892 alleles (0.14%); highest among the groups gnomAD compares: South Asian, 2%; 37 homozygotes.

Submissions (6):

Labcorp Genetics (formerly Invitae), Labcorp
Classification: Benign. Last evaluated: 2026-02-01. Review status: criteria provided, single submitter. Criteria: Invitae Variant Classification Sherloc (09022015). Collection method: clinical testing. Allele origin: germline.

Mayo Clinic Laboratories, Mayo Clinic
Classification: Benign. Last evaluated: 2025-09-12. Review status: criteria provided, single submitter. Criteria: ACMG Guidelines, 2015. Collection method: clinical testing. Allele origin: germline. Observed: 1 variant allele.
Comment: BS1, BS2, BP4, BP7

Genome-Nilou Lab
Classification: Benign for Focal segmental glomerulosclerosis 1. Last evaluated: 2021-12-05. Review status: criteria provided, single submitter. Criteria: ACMG Guidelines, 2015. Collection method: clinical testing. Allele origin: germline. Affected: no.

Fulgent Genetics
Classification: Likely benign for Focal segmental glomerulosclerosis 1. Last evaluated: 2021-09-03. Review status: criteria provided, single submitter. Criteria: ACMG Guidelines, 2015. Collection method: clinical testing. Allele origin: unknown.

Genome Diagnostics Laboratory, The Hospital for Sick Children
Classification: Likely benign for Focal segmental glomerulosclerosis. Last evaluated: 2021-04-08. Review status: criteria provided, single submitter. Criteria: ACMG Guidelines, 2015. Collection method: clinical testing. Allele origin: germline.

GeneDx
Classification: Likely benign. Last evaluated: 2020-05-18. Review status: criteria provided, single submitter. Criteria: GeneDx Variant Classification Process June 2021. Collection method: clinical testing. Allele origin: germline. Affected: yes.

NM_004924.6(ACTN4):c.2191-5C>T

Gene: ACTN4 (actinin alpha 4; plus strand). Cytogenetic location: 19q13.2.
Variant type: single nucleotide variant.
Coding change: c.2191-5C>T on transcript NM_004924.6 (MANE Select); 5 bases into the intron before coding-DNA position 2191, C replaced by T.
Molecular consequence: intron variant.
Genome position (GRCh38, 1-based): chr19:38,726,952, C>T. VCF-style: chr19-38726952-C-T. GRCh37 (hg19) VCF-style: chr19-39217592-C-T.
Other names: p.?; c.2191-5C>T (NM_001322033.2, NM_004924.5).
Identifiers: ClinVar variation 1170555 (VCV001170555.17), dbSNP rs186662077, ClinGen allele CA9417924.